The following is an entry in ClinVar:

NM_194277.3(FRMD7):c.956A>G (p.Lys319Arg)

Gene: FRMD7 (FERM domain containing 7; minus strand). Cytogenetic location: Xq26.2.
Variant type: single nucleotide variant.
Coding change: c.956A>G on transcript NM_194277.3 (MANE Select); coding-DNA position 956, A replaced by G.
Protein change: p.Lys319Arg; replaces lysine 319 with arginine.
Molecular consequence: missense variant.
Genome position (GRCh38, 1-based): chrX:132,080,216, T>C on the plus strand (A>G on the coding strand, the complement: FRMD7 is on the minus strand). VCF-style: chrX-132080216-T-C. GRCh37 (hg19) VCF-style: chrX-131214244-T-C.
Other names: c.911A>G, p.Lys304Arg (NM_001306193.2); short protein forms K304R, K319R.
Identifiers: ClinVar variation 1719816 (VCV001719816.5), dbSNP rs2520716458, ClinGen allele CA414680182.
Genomic context (GRCh38, chrX:132,080,216, plus strand): 5'-CAACATAAAATCAACACGAGCAAGAGAAACAAAATCATGTACCTTTCAAATGGCAAGCTC[T>C]TCAGCCTCCCTTTTCTCCCATATTCCAAAAGTTGCCTTTGGGTTCGTCCACTATCATAAG-3'
Protein context (NP_919253.1, residues 309-329): LLEYGRKGRL[Lys319Arg]SLPFERKHYP

ClinVar aggregate classification (germline): Uncertain significance (1 of 4 stars; one submission).

Submission:

Labcorp Genetics (formerly Invitae), Labcorp
Classification: Uncertain significance. Last evaluated: 2023-12-21. Review status: criteria provided, single submitter. Criteria: Invitae Variant Classification Sherloc (09022015). Collection method: clinical testing. Allele origin: germline.
Comment: This sequence change replaces lysine, which is basic and polar, with arginine, which is basic and polar, at codon 319 of the FRMD7 protein (p.Lys319Arg). This variant is not present in population databases (gnomAD no frequency). This variant has not been reported in the literature in individuals affected with FRMD7-related conditions. ClinVar contains an entry for this variant (Variation ID: 1719816). Algorithms developed to predict the effect of missense changes on protein structure and function output the following: SIFT: "Not Available"; PolyPhen-2: "Benign"; Align-GVGD: "Not Available". The arginine amino acid residue is found in multiple mammalian species, which suggests that this missense change does not adversely affect protein function. In summary, the available evidence is currently insufficient to determine the role of this variant in disease. Therefore, it has been classified as a Variant of Uncertain Significance.